The following is an entry in ClinVar:

ClinVar aggregate classification (germline): Likely benign. Review status: criteria provided, single submitter (1 of 4 stars). 3 submissions from 3 submitters: Likely benign (1). 2 of the submissions do not count toward it. Last evaluated 2026-01-03.

Conditions:
GLE1-related disorder. Also called: GLE1-related condition; GLE1-related disorders.
Lethal congenital contractural syndrome Finnish type.

Allele frequency attached by ClinVar (database versions not stated): gnomAD below 0.00001 and 0.00001; gnomAD exomes 0.00004 and 0.00006; ExAC 0.00007.
gnomAD v4.1: 50 of 1,608,774 alleles (0.0031%); highest among the groups gnomAD compares: South Asian, 0.055%; 2 homozygotes.

Submissions (3):

Labcorp Genetics (formerly Invitae), Labcorp
Classification: Likely benign. Last evaluated: 2026-01-03. Review status: criteria provided, single submitter. Criteria: Invitae Variant Classification Sherloc (09022015). Collection method: clinical testing. Allele origin: germline.

PreventionGenetics, part of Exact Sciences
Classification: Likely benign for GLE1-related condition. Last evaluated: 2023-11-16. Review status: no assertion criteria provided. Collection method: clinical testing. Allele origin: germline. Not counted in ClinVar's aggregate classification.
Comment: This variant is classified as likely benign based on ACMG/AMP sequence variant interpretation guidelines (Richards et al. 2015 PMID: 25741868, with internal and published modifications).

Natera, Inc.
Classification: Likely benign for Lethal congenital contractural syndrome Finnish type. Last evaluated: 2021-10-01. Review status: no assertion criteria provided. Collection method: clinical testing. Allele origin: germline. Not counted in ClinVar's aggregate classification.

NM_001003722.2(GLE1):c.384G>A (p.Val128=)

Gene: GLE1 (GLE1 RNA export mediator; plus strand). Cytogenetic location: 9q34.11.
Variant type: single nucleotide variant.
Coding change: c.384G>A on transcript NM_001003722.2 (MANE Select); coding-DNA position 384, G replaced by A.
Protein change: p.Val128=; no amino-acid change (valine 128 retained).
Molecular consequence: synonymous variant.
Genome position (GRCh38, 1-based): chr9:128,515,591, G>A. VCF-style: chr9-128515591-G-A. GRCh37 (hg19) VCF-style: chr9-131277870-G-A.
Other names: c.384G>A, p.Val128= (NM_001499.2).
Identifiers: ClinVar variation 746559 (VCV000746559.13), dbSNP rs768968019, ClinGen allele CA5263552.
Genomic context (GRCh38, chr9:128,515,591, plus strand): 5'-CAAAGATGAGTCCCAGCACACAGAATCTATGGTACTTCAGTCCTCACGGGGGATCAAAGT[G>A]GAAGGCTGCGTCCGAATGTACGAACTGGTACACAGAATGAAAGGAACAGTAAGTGAACCC-3'
Protein context (NP_001003722.1, residues 118-138): MVLQSSRGIK[Val128=]EGCVRMYELV